The following is an entry in ClinVar:

ClinVar aggregate classification (germline): Uncertain significance (1 of 4 stars; one submission).

Conditions:
Hereditary cancer-predisposing syndrome. Also called: Neoplastic Syndromes, Hereditary; Tumor predisposition; Hereditary Cancer Syndrome; Hereditary neoplastic syndrome. Identifiers: Orphanet 140162, MedGen C0027672, MeSH D009386, MONDO:0015356.

Submission:

Ambry Genetics
Classification: Uncertain significance for Hereditary cancer-predisposing syndrome. Last evaluated: 2015-05-06. Review status: criteria provided, single submitter. Criteria: Ambry Variant Classification Scheme 2023. Collection method: clinical testing. Allele origin: germline.
Comment: The p.L570V variant (also known as c.1708C>G), located in coding exon 8 of the BARD1 gene, results from a C to G substitution at nucleotide position 1708. The leucine at codon 570 is replaced by valine, an amino acid with highly similar properties. This variant was not reported in population based cohorts in the following databases: Database of Single Nucleotide Polymorphisms (dbSNP), NHLBI Exome Sequencing Project (ESP), and 1000 Genomes Project. In the ESP, this variant was not observed in 6503 samples (13006 alleles) with coverage at this position. To date, this alteration has been detected with an allele frequency of approximately 0.002% (greater than 65000 alleles tested) in our clinical cohort. This amino acid position is not well conserved in available vertebrate species. In addition, this alteration is predicted to be tolerated by in silico analysis. Since supporting evidence is limited at this time, the clinical significance of this variant remains unclear.

NM_000465.4(BARD1):c.1708C>G (p.Leu570Val)

Gene: BARD1 (BRCA1 associated RING domain 1; minus strand). Cytogenetic location: 2q35.
Variant type: single nucleotide variant.
Coding change: c.1708C>G on transcript NM_000465.4 (MANE Select); coding-DNA position 1708, C replaced by G.
Protein change: p.Leu570Val; replaces leucine 570 with valine.
Molecular consequence: missense variant. On other transcripts: non-coding transcript variant (3), intron variant (1).
Genome position (GRCh38, 1-based): chr2:214,745,824, G>C on the plus strand (C>G on the coding strand, the complement: BARD1 is on the minus strand). VCF-style: chr2-214745824-G-C. GRCh37 (hg19) VCF-style: chr2-215610548-G-C.
Other names: c.1651C>G, p.Leu551Val (NM_001282543.2); c.355C>G, p.Leu119Val (NM_001282545.2); c.298C>G, p.Leu100Val (NM_001282548.2); c.365-15316C>G (NM_001282549.2); short protein forms L570V, L119V, L551V, L100V.
Identifiers: ClinVar variation 231671 (VCV000231671.5), dbSNP rs876659288, ClinGen allele CA10577790.